The following is an entry in ClinVar:

ClinVar aggregate classification (germline): Benign/Likely benign. Review status: criteria provided, multiple submitters, no conflicts (2 of 4 stars). 5 submissions from 5 submitters: Benign (1); Likely benign (3). 1 of the submissions does not count toward it. Last evaluated 2026-01-05.

Conditions:
MET-related disorder. Also called: MET-related condition.
Renal cell carcinoma. Identifiers: Orphanet 217071, MedGen C0007134, MeSH D002292, MONDO:0005086, HP:0005584.
Hereditary cancer-predisposing syndrome. Also called: Hereditary neoplastic syndrome; Neoplastic Syndromes, Hereditary; Tumor predisposition; Hereditary Cancer Syndrome. Identifiers: Orphanet 140162, MedGen C0027672, MeSH D009386, MONDO:0015356.
Papillary renal cell carcinoma type 1 (RCCP1). Also called: Renal adenocarcinoma; Renal cell carcinoma 1; Renal cell carcinoma, somatic; RENAL CELL CARCINOMA, PAPILLARY, 1, SOMATIC. Identifiers: Orphanet 47044, MedGen C1336839, OMIM 605074, HP:0011797.

Allele frequency attached by ClinVar (database versions not stated): ExAC 0.00001; gnomAD exomes 0.00003 and 0.00004; TOPMed 0.00003; gnomAD 0.00005 and 0.00006; ESP Exome Variant Server 0.00017.
gnomAD v4.1: 73 of 1,613,872 alleles (0.0045%); highest among the groups gnomAD compares: Admixed American, 0.0083%; no homozygotes.

Submissions (5):

Labcorp Genetics (formerly Invitae), Labcorp
Classification: Likely benign for Renal cell carcinoma. Last evaluated: 2026-01-05. Review status: criteria provided, single submitter. Criteria: Invitae Variant Classification Sherloc (09022015). Collection method: clinical testing. Allele origin: germline.

Myriad Genetics, Inc.
Classification: Benign for Papillary renal cell carcinoma type 1. Last evaluated: 2024-11-13. Review status: criteria provided, single submitter. Criteria: Myriad Autosomal Dominant, Autosomal Recessive and X-Linked Classification Criteria (2023). Collection method: clinical testing. Allele origin: unknown.
Comment: This variant is considered benign. This variant is a silent/synonymous amino acid change and it is not expected to impact splicing.

Sema4
Classification: Likely benign for Hereditary cancer-predisposing syndrome. Last evaluated: 2021-06-28. Review status: criteria provided, single submitter. Criteria: Sema4 Curation Guidelines. Collection method: curation. Allele origin: germline.

Ambry Genetics
Classification: Likely benign for Hereditary cancer-predisposing syndrome. Last evaluated: 2019-07-29. Review status: criteria provided, single submitter. Criteria: Ambry Variant Classification Scheme 2023. Collection method: clinical testing. Allele origin: germline.

PreventionGenetics, part of Exact Sciences
Classification: Likely benign for MET-related condition. Last evaluated: 2024-08-25. Review status: no assertion criteria provided. Collection method: clinical testing. Allele origin: germline. Not counted in ClinVar's aggregate classification.
Comment: This variant is classified as likely benign based on ACMG/AMP sequence variant interpretation guidelines (Richards et al. 2015 PMID: 25741868, with internal and published modifications).

NM_000245.4(MET):c.3477C>T (p.Tyr1159=)

Gene: MET (MET proto-oncogene, receptor tyrosine kinase; plus strand). Cytogenetic location: 7q31.2.
Variant type: single nucleotide variant.
Coding change: c.3477C>T on transcript NM_000245.4 (MANE Select); coding-DNA position 3477, C replaced by T.
Protein change: p.Tyr1159=; no amino-acid change (tyrosine 1159 retained).
Molecular consequence: synonymous variant.
Genome position (GRCh38, 1-based): chr7:116,778,912, C>T. VCF-style: chr7-116778912-C-T. GRCh37 (hg19) VCF-style: chr7-116418966-C-T.
Other names: c.3531C>T (LRG_662t1, NM_001127500.2); c.3531C>T, p.Tyr1177= (NM_001127500.3); c.2187C>T, p.Tyr729= (NM_001324402.2).
Identifiers: ClinVar variation 184430 (VCV000184430.20), dbSNP rs372238373, ClinGen allele CA188946.